The following is an entry in ClinVar:

NM_007254.4(PNKP):c.131G>A (p.Arg44Gln)

Gene: PNKP (polynucleotide kinase 3'-phosphatase; minus strand). Cytogenetic location: 19q13.33.
Variant type: single nucleotide variant.
Coding change: c.131G>A on transcript NM_007254.4 (MANE Select); coding-DNA position 131, G replaced by A.
Protein change: p.Arg44Gln; replaces arginine 44 with glutamine.
Molecular consequence: missense variant.
Genome position (GRCh38, 1-based): chr19:49,867,074, C>T on the plus strand (G>A on the coding strand, the complement: PNKP is on the minus strand). VCF-style: chr19-49867074-C-T. GRCh37 (hg19) VCF-style: chr19-50370331-C-T.
Other names: short protein forms R44Q.
Identifiers: ClinVar variation 568677 (VCV000568677.7), dbSNP rs1568663138, ClinGen allele CA406893399.
Genomic context (GRCh38, chr19:49,867,074, plus strand): 5'-TGCAGCAGGCCACACCCCCTCCAGCTCAGGCCCCGCTCACCTTGAGTTCTGGAGCACTTC[C>T]GGTCCGTAACCTGGGTCAGGGGTCCCCTGCCCAGGACCAGGGCTTGCCCGTCCGAGGGCA-3'
Protein context (NP_009185.2, residues 34-54): GRGPLTQVTD[Arg44Gln]KCSRTQVELV

ClinVar aggregate classification (germline): Uncertain significance. Review status: criteria provided, multiple submitters, no conflicts (2 of 4 stars). 2 submissions from 2 submitters: Uncertain significance (2). Last evaluated 2022-07-06.

Conditions:
Developmental and epileptic encephalopathy, 12 (DEE12). Identifiers: MedGen C3150988, MONDO:0013389, OMIM 613722.
Microcephaly, seizures, and developmental delay. Identifiers: Orphanet 1934, MedGen C3150667, MONDO:0013254, OMIM 613402.
Ataxia - oculomotor apraxia type 4. Identifiers: Orphanet 459033, MedGen C4225397, MONDO:0014557, OMIM 616267.

Submissions (2):

Labcorp Genetics (formerly Invitae), Labcorp
Classification: Uncertain significance for Developmental and epileptic encephalopathy, 12. Last evaluated: 2022-07-06. Review status: criteria provided, single submitter. Criteria: Invitae Variant Classification Sherloc (09022015). Collection method: clinical testing. Allele origin: germline.
Comment: This sequence change replaces arginine, which is basic and polar, with glutamine, which is neutral and polar, at codon 44 of the PNKP protein (p.Arg44Gln). This variant is not present in population databases (gnomAD no frequency). This variant has not been reported in the literature in individuals affected with PNKP-related conditions. ClinVar contains an entry for this variant (Variation ID: 568677). Algorithms developed to predict the effect of missense changes on protein structure and function are either unavailable or do not agree on the potential impact of this missense change (SIFT: "Tolerated"; PolyPhen-2: "Possibly Damaging"; Align-GVGD: "Class C0"). In summary, the available evidence is currently insufficient to determine the role of this variant in disease. Therefore, it has been classified as a Variant of Uncertain Significance.

Fulgent Genetics
Classification: Uncertain significance for Microcephaly, seizures, and developmental delay; Ataxia - oculomotor apraxia type 4. Last evaluated: 2018-10-31. Review status: criteria provided, single submitter. Criteria: ACMG Guidelines, 2015. Collection method: clinical testing. Allele origin: unknown.